The following is an entry in ClinVar:

ClinVar aggregate classification (germline): Uncertain significance. Review status: criteria provided, multiple submitters, no conflicts (2 of 4 stars). 2 submissions from 2 submitters: Uncertain significance (2). Last evaluated 2023-08-24.

Conditions:
Immunodeficiency. Identifiers: MedGen C0021051, MONDO:0021094, HP:0002721.

Allele frequency attached by ClinVar (database versions not stated): gnomAD exomes below 0.00001.

Submissions (2):

Labcorp Genetics (formerly Invitae), Labcorp
Classification: Uncertain significance for Immunodeficiency. Last evaluated: 2023-08-24. Review status: criteria provided, single submitter. Criteria: Invitae Variant Classification Sherloc (09022015). Collection method: clinical testing. Allele origin: germline.
Comment: This sequence change replaces isoleucine, which is neutral and non-polar, with valine, which is neutral and non-polar, at codon 323 of the NFAT5 protein (p.Ile323Val). An algorithm developed to predict the effect of missense changes on protein structure and function (PolyPhen-2) suggests that this variant is likely to be disruptive. ClinVar contains an entry for this variant (Variation ID: 2271365). This variant has not been reported in the literature in individuals affected with NFAT5-related conditions. This variant is not present in population databases (gnomAD no frequency). In summary, the available evidence is currently insufficient to determine the role of this variant in disease. Therefore, it has been classified as a Variant of Uncertain Significance.

Ambry Genetics
Classification: Uncertain significance. Last evaluated: 2022-01-10. Review status: criteria provided, single submitter. Criteria: Ambry Variant Classification Scheme 2023. Collection method: clinical testing. Allele origin: germline.

NM_138713.4(NFAT5):c.1249A>G (p.Ile417Val)

Gene: NFAT5 (nuclear factor of activated T cells 5; plus strand). Cytogenetic location: 16q22.1.
Variant type: single nucleotide variant.
Coding change: c.1249A>G on transcript NM_138713.4 (MANE Select); coding-DNA position 1249, A replaced by G.
Protein change: p.Ile417Val; replaces isoleucine 417 with valine.
Molecular consequence: missense variant.
Genome position (GRCh38, 1-based): chr16:69,659,779, A>G. VCF-style: chr16-69659779-A-G. GRCh37 (hg19) VCF-style: chr16-69693682-A-G.
Other names: c.1249A>G, p.Ile417Val (NM_001113178.3); c.577A>G, p.Ile193Val (NM_001367709.1); c.1195A>G, p.Ile399Val (NM_006599.4); c.967A>G, p.Ile323Val (NM_138714.4, NM_173214.3, NM_173215.3); short protein forms I193V, I323V, I399V, I417V.
Identifiers: ClinVar variation 2271365 (VCV002271365.5), dbSNP rs2544017087, ClinGen allele CA396493300.